The following is an entry in ClinVar:

NM_006231.4(POLE):c.6521C>A (p.Ser2174Tyr)

Gene: POLE (DNA polymerase epsilon, catalytic subunit; minus strand). Cytogenetic location: 12q24.33.
Variant type: single nucleotide variant.
Coding change: c.6521C>A on transcript NM_006231.4 (MANE Select); coding-DNA position 6521, C replaced by A.
Protein change: p.Ser2174Tyr; replaces serine 2174 with tyrosine.
Molecular consequence: missense variant.
Genome position (GRCh38, 1-based): chr12:132,626,127, G>T on the plus strand (C>A on the coding strand, the complement: POLE is on the minus strand). VCF-style: chr12-132626127-G-T. GRCh37 (hg19) VCF-style: chr12-133202713-G-T.
Other names: short protein forms S2174Y.
Identifiers: ClinVar variation 1444692 (VCV001444692.8), dbSNP rs1555301177, ClinGen allele CA387367117.

ClinVar aggregate classification (germline): Uncertain significance (1 of 4 stars; one submission).

Submission:

Labcorp Genetics (formerly Invitae), Labcorp
Classification: Uncertain significance. Last evaluated: 2021-04-21. Review status: criteria provided, single submitter. Criteria: Invitae Variant Classification Sherloc (09022015). Collection method: clinical testing. Allele origin: germline.
Comment: This variant is not present in population databases (ExAC no frequency). This sequence change replaces serine with tyrosine at codon 2174 of the POLE protein (p.Ser2174Tyr). The serine residue is weakly conserved and there is a large physicochemical difference between serine and tyrosine. This variant has not been reported in the literature in individuals with POLE-related conditions. In summary, the available evidence is currently insufficient to determine the role of this variant in disease. Therefore, it has been classified as a Variant of Uncertain Significance. Algorithms developed to predict the effect of missense changes on protein structure and function (SIFT, PolyPhen-2, Align-GVGD) all suggest that this variant is likely to be tolerated, but these predictions have not been confirmed by published functional studies and their clinical significance is uncertain.